The following is an entry in ClinVar:

ClinVar aggregate classification (germline): Uncertain significance (1 of 4 stars; one submission).

Conditions:
Tuberous sclerosis 2 (TSC2). Identifiers: Orphanet 805, MedGen C1860707, MONDO:0013199, OMIM 613254.

Submission:

Labcorp Genetics (formerly Invitae), Labcorp
Classification: Uncertain significance for Tuberous sclerosis 2. Last evaluated: 2022-01-17. Review status: criteria provided, single submitter. Criteria: Invitae Variant Classification Sherloc (09022015). Collection method: clinical testing. Allele origin: germline.
Comment: This variant is not present in population databases (gnomAD no frequency). This sequence change replaces glycine, which is neutral and non-polar, with alanine, which is neutral and non-polar, at codon 1091 of the TSC2 protein (p.Gly1091Ala). In summary, the available evidence is currently insufficient to determine the role of this variant in disease. Therefore, it has been classified as a Variant of Uncertain Significance. Advanced modeling of protein sequence and biophysical properties (such as structural, functional, and spatial information, amino acid conservation, physicochemical variation, residue mobility, and thermodynamic stability) performed at Invitae indicates that this missense variant is not expected to disrupt TSC2 protein function. This variant has not been reported in the literature in individuals affected with TSC2-related conditions.

NM_000548.5(TSC2):c.3272G>C (p.Gly1091Ala)

Gene: TSC2 (TSC complex subunit 2; plus strand). Cytogenetic location: 16p13.3.
Variant type: single nucleotide variant.
Coding change: c.3272G>C on transcript NM_000548.5 (MANE Select); coding-DNA position 3272, G replaced by C.
Protein change: p.Gly1091Ala; replaces glycine 1091 with alanine.
Molecular consequence: missense variant.
Genome position (GRCh38, 1-based): chr16:2,079,416, G>C. VCF-style: chr16-2079416-G-C. GRCh37 (hg19) VCF-style: chr16-2129417-G-C.
Other names: c.3140G>C, p.Gly1047Ala (NM_001077183.3, NM_001370404.1, NM_001406665.1); c.3272G>C, p.Gly1091Ala (NM_001114382.3); c.3032G>C, p.Gly1011Ala (NM_001318827.2); c.2996G>C, p.Gly999Ala (NM_001318829.2); c.2540G>C, p.Gly847Ala (NM_001318831.2, NM_001406687.1, NM_001406688.1); c.3173G>C, p.Gly1058Ala (NM_001318832.2); c.3143G>C, p.Gly1048Ala (NM_001363528.2, NM_001370405.1, NM_021055.3); c.3269G>C, p.Gly1090Ala (NM_001406663.1, NM_001406664.1); and 18 more; short protein forms G1054A, G1077A, G1090A, G513A, G847A, G998A, G1010A, G1011A.
Identifiers: ClinVar variation 2087421 (VCV002087421.4), dbSNP rs2089845275, ClinGen allele CA394286260.